The following is an entry in ClinVar:

NM_002529.4(NTRK1):c.1267G>T (p.Gly423Cys)

Gene: NTRK1 (neurotrophic receptor tyrosine kinase 1; plus strand). Cytogenetic location: 1q23.1.
Variant type: single nucleotide variant.
Coding change: c.1267G>T on transcript NM_002529.4 (MANE Select); coding-DNA position 1267, G replaced by T.
Protein change: p.Gly423Cys; replaces glycine 423 with cysteine.
Molecular consequence: missense variant.
Genome position (GRCh38, 1-based): chr1:156,874,921, G>T. VCF-style: chr1-156874921-G-T. GRCh37 (hg19) VCF-style: chr1-156844713-G-T.
Other names: c.1159G>T, p.Gly387Cys (NM_001007792.1); c.1249G>T, p.Gly417Cys (NM_001012331.2); short protein forms G387C, G423C, G417C.
Identifiers: ClinVar variation 1390261 (VCV001390261.6), dbSNP rs1647804518, ClinGen allele CA342936853.
Genomic context (GRCh38, chr1:156,874,921, plus strand): 5'-GTACAGGAGGAGCCCCTGGATCTAACTACCCCTGTCCCCCACCAGGTCTCGGTGGCTGTG[G>T]GCCTGGCCGTCTTTGCCTGCCTCTTCCTTTCTACGCTGCTCCTTGTGCTCAACAAATGTG-3'
Protein context (NP_002520.2, residues 413-433): ETPFGVSVAV[Gly423Cys]LAVFACLFLS

ClinVar aggregate classification (germline): Uncertain significance (1 of 4 stars; one submission).

Conditions:
Hereditary insensitivity to pain with anhidrosis (CIPA). Also called: INSENSITIVITY TO PAIN, CONGENITAL, WITH ANHIDROSIS; hereditary sensory and autonomic neuropathy type 4; HSAN Type IV; NEUROPATHY, CONGENITAL SENSORY, WITH ANHIDROSIS; NTRK1 Congenital Insensitivity to Pain with Anhidrosis; FAMILIAL DYSAUTONOMIA, TYPE II. Identifiers: Orphanet 642, MedGen C0020074, MONDO:0009746, OMIM 256800.

Submission:

Labcorp Genetics (formerly Invitae), Labcorp
Classification: Uncertain significance for Hereditary insensitivity to pain with anhidrosis. Last evaluated: 2023-08-17. Review status: criteria provided, single submitter. Criteria: Invitae Variant Classification Sherloc (09022015). Collection method: clinical testing. Allele origin: germline.
Comment: Advanced modeling of protein sequence and biophysical properties (such as structural, functional, and spatial information, amino acid conservation, physicochemical variation, residue mobility, and thermodynamic stability) performed at Invitae indicates that this missense variant is not expected to disrupt NTRK1 protein function. ClinVar contains an entry for this variant (Variation ID: 1390261). This variant has not been reported in the literature in individuals affected with NTRK1-related conditions. This variant is not present in population databases (gnomAD no frequency). This sequence change replaces glycine, which is neutral and non-polar, with cysteine, which is neutral and slightly polar, at codon 417 of the NTRK1 protein (p.Gly417Cys). In summary, the available evidence is currently insufficient to determine the role of this variant in disease. Therefore, it has been classified as a Variant of Uncertain Significance.